The following is an entry in ClinVar:

NM_006579.3(EBP):c.513C>T (p.Arg171=)

Gene: EBP (EBP cholestenol delta-isomerase; plus strand). Cytogenetic location: Xp11.23.
Variant type: single nucleotide variant.
Coding change: c.513C>T on transcript NM_006579.3 (MANE Select); coding-DNA position 513, C replaced by T.
Protein change: p.Arg171=; no amino-acid change (arginine 171 retained).
Molecular consequence: synonymous variant.
Genome position (GRCh38, 1-based): chrX:48,528,277, C>T. VCF-style: chrX-48528277-C-T. GRCh37 (hg19) VCF-style: chrX-48386665-C-T.
Identifiers: ClinVar variation 2891694 (VCV002891694.7), dbSNP rs147786080, ClinGen allele CA10403051.

ClinVar aggregate classification (germline): Benign/Likely benign. Review status: criteria provided, multiple submitters, no conflicts (2 of 4 stars). 2 submissions from 2 submitters: Benign (1); Likely benign (1). Last evaluated 2026-02-01.

Allele frequency attached by ClinVar (database versions not stated): gnomAD exomes 0.00001; ExAC 0.00005; gnomAD 0.00005; TOPMed 0.00005; ESP Exome Variant Server 0.00009.

Submissions (2):

CeGaT Center for Human Genetics Tuebingen
Classification: Likely benign. Last evaluated: 2026-02-01. Review status: criteria provided, single submitter. Criteria: CeGaT Center For Human Genetics Tuebingen Variant Classification Criteria Version 2. Collection method: clinical testing. Allele origin: germline. Affected: yes. Observed: 1 variant allele.
Comment: EBP: BP4, BP7, BS2

Labcorp Genetics (formerly Invitae), Labcorp
Classification: Benign. Last evaluated: 2025-10-12. Review status: criteria provided, single submitter. Criteria: Invitae Variant Classification Sherloc (09022015). Collection method: clinical testing. Allele origin: germline.